The following is an entry in ClinVar:

NM_006329.4(FBLN5):c.739+125C>G

Gene: FBLN5 (fibulin 5; minus strand). Cytogenetic location: 14q32.12.
Variant type: single nucleotide variant.
Coding change: c.739+125C>G on transcript NM_006329.4 (MANE Select); 125 bases into the intron after coding-DNA position 739, C replaced by G.
Molecular consequence: intron variant.
Genome position (GRCh38, 1-based): chr14:91,887,068, G>C on the plus strand (C>G on the coding strand, the complement: FBLN5 is on the minus strand). VCF-style: chr14-91887068-G-C. GRCh37 (hg19) VCF-style: chr14-92353412-G-C.
Other names: c.739+125C>G (NM_001384160.1); c.862+125C>G (NM_001384158.1); c.571+125C>G (NM_001384162.1, NM_001384161.1); c.790+125C>G (NM_001384159.1).
Identifiers: ClinVar variation 677847 (VCV000677847.2), dbSNP rs116467689, ClinGen allele CA265597266.

ClinVar aggregate classification (germline): Likely benign. Review status: criteria provided, multiple submitters, no conflicts (2 of 4 stars). 2 submissions from 2 submitters: Likely benign (2). Last evaluated 2018-06-14.

Allele frequency attached by ClinVar (database versions not stated): gnomAD 0.01532 and 0.01627; TOPMed 0.01736; 1000 Genomes Project 0.01777; 1000 Genomes Project 30x 0.02030.
gnomAD v4.1: 4,172 of 1,039,812 alleles (0.4%); highest among the groups gnomAD compares: African/African-American, 5.2%; 111 homozygotes.

Submissions (2):

GeneDx
Classification: Likely benign. Last evaluated: 2018-06-14. Review status: criteria provided, single submitter. Criteria: GeneDx Variant Classification (06012015). Collection method: clinical testing. Allele origin: germline. Affected: yes.
Comment: This variant is considered likely benign or benign based on one or more of the following criteria: it is a conservative change, it occurs at a poorly conserved position in the protein, it is predicted to be benign by multiple in silico algorithms, and/or has population frequency not consistent with disease.

Breakthrough Genomics
Classification: Likely benign. Review status: criteria provided, single submitter. Criteria: ACMG Guidelines, 2015. Collection method: not provided. Allele origin: germline. Inheritance: Autosomal recessive inheritance. Affected: yes.